The following is an entry in ClinVar:

NM_001281740.3(FHOD3):c.4336C>T (p.Arg1446Cys)

Gene: FHOD3 (formin homology 2 domain containing 3; plus strand).
Variant type: single nucleotide variant.
Coding change: c.4336C>T on transcript NM_001281740.3 (MANE Select); coding-DNA position 4336, C replaced by T.
Protein change: p.Arg1446Cys; replaces arginine 1446 with cysteine.
Molecular consequence: missense variant.
Other names: c.3760C>T, p.Arg1254Cys (NM_001281739.3); c.3811C>T, p.Arg1271Cys (NM_025135.5); short protein forms R1254C, R1271C, R1446C.
Identifiers: ClinVar variation 4686672 (VCV004686672.1).

ClinVar aggregate classification (germline): Uncertain significance (1 of 4 stars; one submission).

Conditions:
Primary dilated cardiomyopathy (DCM). Also called: Dilated Cardiomyopathy. Identifiers: Orphanet 217604, MedGen C0007193, MeSH D002311, MONDO:0005021, HP:0001644. Inheritance: Various modes of inheritance.

Submission:

Petrovsky National Research Centre of Surgery, The Federal Agency for Scientific Organizations
Classification: Uncertain significance for Primary dilated cardiomyopathy. Last evaluated: 2026-01-27. Review status: criteria provided, single submitter. Criteria: ACMG Guidelines, 2015. Collection method: clinical testing. Allele origin: germline. Affected: yes. Observed: 1 variant allele.
Comment: The variant is in The Genome Aggregation Database (gnomAD) v4.1.0 with total 3.101e-06. (Date of access 2026-01-27). In accordance with ACMG (2015) criteria this variant is classified as Uncertain significance with following criteria selected: PM2.